The following is an entry in ClinVar:

NM_004606.5(TAF1):c.461C>T (p.Ser154Phe)

Gene: TAF1 (TATA-box binding protein associated factor 1; plus strand). Cytogenetic location: Xq13.1.
Variant type: single nucleotide variant.
Coding change: c.461C>T on transcript NM_004606.5 (MANE Select); coding-DNA position 461, C replaced by T.
Protein change: p.Ser154Phe; replaces serine 154 with phenylalanine.
Molecular consequence: missense variant. On other transcripts: non-coding transcript variant (9).
Genome position (GRCh38, 1-based): chrX:71,375,275, C>T. VCF-style: chrX-71375275-C-T. GRCh37 (hg19) VCF-style: chrX-70595125-C-T.
Other names: c.461C>T, p.Ser154Phe (NM_001286074.2, NM_138923.4); short protein forms S154F.
Identifiers: ClinVar variation 2869828 (VCV002869828.4), dbSNP rs1288006620, ClinGen allele CA413503895.

ClinVar aggregate classification (germline): Uncertain significance. Review status: criteria provided, multiple submitters, no conflicts (2 of 4 stars). 2 submissions from 2 submitters: Uncertain significance (2). Last evaluated 2025-01-07.

Allele frequency attached by ClinVar (database versions not stated): gnomAD exomes below 0.00001; TOPMed 0.00001.
gnomAD v4.1: 1 of 1,208,633 alleles (0.000083%); highest among the groups gnomAD compares: African/African-American, 0.0017%; no homozygotes.

Submissions (2):

GeneDx
Classification: Uncertain significance. Last evaluated: 2025-01-07. Review status: criteria provided, single submitter. Criteria: GeneDx Variant Classification Process June 2021. Collection method: clinical testing. Allele origin: germline. Affected: yes.
Comment: Not observed at significant frequency in large population cohorts (gnomAD); In silico analysis indicates that this missense variant does not alter protein structure/function; Has not been previously published as pathogenic or benign to our knowledge

Labcorp Genetics (formerly Invitae), Labcorp
Classification: Uncertain significance. Last evaluated: 2023-11-18. Review status: criteria provided, single submitter. Criteria: Invitae Variant Classification Sherloc (09022015). Collection method: clinical testing. Allele origin: germline.
Comment: This sequence change replaces serine, which is neutral and polar, with phenylalanine, which is neutral and non-polar, at codon 174 of the TAF1 protein (p.Ser174Phe). This variant is not present in population databases (gnomAD no frequency). This variant has not been reported in the literature in individuals affected with TAF1-related conditions. Advanced modeling of protein sequence and biophysical properties (such as structural, functional, and spatial information, amino acid conservation, physicochemical variation, residue mobility, and thermodynamic stability) performed at Invitae indicates that this missense variant is not expected to disrupt TAF1 protein function with a negative predictive value of 80%. In summary, the available evidence is currently insufficient to determine the role of this variant in disease. Therefore, it has been classified as a Variant of Uncertain Significance.